The following is an entry in ClinVar:

ClinVar aggregate classification (germline): Uncertain significance (1 of 4 stars; one submission).

Submission:

Labcorp Genetics (formerly Invitae), Labcorp
Classification: Uncertain significance. Last evaluated: 2026-01-05. Review status: criteria provided, single submitter. Criteria: Invitae Variant Classification Sherloc (09022015). Collection method: clinical testing. Allele origin: germline.
Comment: This sequence change creates a premature translational stop signal (p.Val91Cysfs*7) in the OPN1SW gene. It is expected to result in an absent or disrupted protein product. However, the current clinical and genetic evidence is not sufficient to establish whether loss-of-function variants in OPN1SW cause disease. This variant is present in population databases (rs775878041, gnomAD 0.02%). This variant has not been reported in the literature in individuals affected with OPN1SW-related conditions. ClinVar contains an entry for this variant (Variation ID: 997466). In summary, the available evidence is currently insufficient to determine the role of this variant in disease. Therefore, it has been classified as a Variant of Uncertain Significance.

NM_001385125.1(OPN1SW):c.260dup (p.Val88fs)

Gene: OPN1SW (opsin 1, short wave sensitive; minus strand). Cytogenetic location: 7q32.1.
Variant type: Duplication.
Coding change: c.260dup on transcript NM_001385125.1 (MANE Select); coding-DNA position 260, one base duplicated (C; older notation c.260dupC).
Protein change: p.Val88fs; shifts the reading frame from valine 88.
Molecular consequence: frameshift variant.
Genome position (GRCh38, 1-based): chr7:128,775,522, G duplicated on the plus strand (C on the coding strand, the reverse complement: OPN1SW is on the minus strand); the first of 3 consecutive G bases (chr7:128,775,522-128,775,524); duplicating any one gives the same sequence. VCF-style (leftmost placement, unchanged base first): chr7-128775521-A-AG. GRCh37 (hg19) VCF-style: chr7-128415575-A-AG.
Other names: short protein forms V88fs.
Identifiers: ClinVar variation 997466 (VCV000997466.7), dbSNP rs775878041, ClinGen allele CA4473012.